The following is an entry in ClinVar:

NM_031935.3(HMCN1):c.10654G>A (p.Ala3552Thr)

Gene: HMCN1 (hemicentin 1; plus strand). Cytogenetic location: 1q31.1.
Variant type: single nucleotide variant.
Coding change: c.10654G>A on transcript NM_031935.3 (MANE Select); coding-DNA position 10654, G replaced by A.
Protein change: p.Ala3552Thr; replaces alanine 3552 with threonine.
Molecular consequence: missense variant.
Genome position (GRCh38, 1-based): chr1:186,103,552, G>A. VCF-style: chr1-186103552-G-A. GRCh37 (hg19) VCF-style: chr1-186072684-G-A.
Other names: short protein forms A3552T.
Identifiers: ClinVar variation 1720501 (VCV001720501.5), dbSNP rs2527962816, ClinGen allele CA343934769.

ClinVar aggregate classification (germline): Uncertain significance (1 of 4 stars; one submission).

Allele frequency attached by ClinVar (database versions not stated): gnomAD exomes below 0.00001.
gnomAD v4.1: 4 of 1,613,874 alleles (0.00025%); highest among the groups gnomAD compares: Non-Finnish European, 0.00034%; no homozygotes.

Submission:

Labcorp Genetics (formerly Invitae), Labcorp
Classification: Uncertain significance. Last evaluated: 2022-09-27. Review status: criteria provided, single submitter. Criteria: Invitae Variant Classification Sherloc (09022015). Collection method: clinical testing. Allele origin: germline.
Comment: In summary, the available evidence is currently insufficient to determine the role of this variant in disease. Therefore, it has been classified as a Variant of Uncertain Significance. Algorithms developed to predict the effect of missense changes on protein structure and function are either unavailable or do not agree on the potential impact of this missense change (SIFT: "Tolerated"; PolyPhen-2: "Probably Damaging"; Align-GVGD: "Class C0"). This variant has not been reported in the literature in individuals affected with HMCN1-related conditions. This variant is not present in population databases (gnomAD no frequency). This sequence change replaces alanine, which is neutral and non-polar, with threonine, which is neutral and polar, at codon 3552 of the HMCN1 protein (p.Ala3552Thr).